The following is an entry in ClinVar:

NM_198253.3(TERT):c.490C>G (p.Pro164Ala)

Gene: TERT (telomerase reverse transcriptase; minus strand). Cytogenetic location: 5p15.33.
Variant type: single nucleotide variant.
Coding change: c.490C>G on transcript NM_198253.3 (MANE Select); coding-DNA position 490, C replaced by G.
Protein change: p.Pro164Ala; replaces proline 164 with alanine.
Molecular consequence: missense variant. On other transcripts: non-coding transcript variant (2).
Genome position (GRCh38, 1-based): chr5:1,294,396, G>C on the plus strand (C>G on the coding strand, the complement: TERT is on the minus strand). VCF-style: chr5-1294396-G-C. GRCh37 (hg19) VCF-style: chr5-1294511-G-C.
Other names: c.490C>G, p.Pro164Ala (NM_001193376.3); short protein forms P164A.
Identifiers: ClinVar variation 4182777 (VCV004182777.1).

ClinVar aggregate classification (germline): Uncertain significance (1 of 4 stars; one submission).

Conditions:
Dyskeratosis congenita. Identifiers: Orphanet 1775, MedGen C0265965, MONDO:0015780.

Submission:

Ambry Genetics
Classification: Uncertain significance for Dyskeratosis congenita. Last evaluated: 2025-06-25. Review status: criteria provided, single submitter. Criteria: Ambry Variant Classification Scheme 2023. Collection method: clinical testing. Allele origin: germline.
Comment: The p.P164A variant (also known as c.490C>G), located in coding exon 2 of the TERT gene, results from a C to G substitution at nucleotide position 490. The proline at codon 164 is replaced by alanine, an amino acid with highly similar properties. This amino acid position is conserved. In addition, the in silico prediction for this alteration is inconclusive. Based on the available evidence, the clinical significance of this variant remains unclear.